The following is an entry in ClinVar:

ClinVar aggregate classification (germline): Uncertain significance (1 of 4 stars; one submission).

Conditions:
Dyskeratosis congenita, autosomal dominant 1 (DKCA1). Also called: Dyskeratosis congenita Scoggins type. Identifiers: Orphanet 1775, MedGen C4551974, MONDO:0007485, OMIM 127550. Inheritance: Variable.

Submission:

Labcorp Genetics (formerly Invitae), Labcorp
Classification: Uncertain significance for Dyskeratosis congenita, autosomal dominant 1. Last evaluated: 2022-04-01. Review status: criteria provided, single submitter. Criteria: Invitae Variant Classification Sherloc (09022015). Collection method: clinical testing. Allele origin: germline.
Comment: This variant is located within the template/pseudoknot domain of the TERC RNA component, which is required for RNA or RNP stability (PMID: 15082312, 21844345). In summary, the available evidence is currently insufficient to determine the role of this variant in disease. Therefore, it has been classified as a Variant of Uncertain Significance. This variant is located in a region of TERC in which a significant number of disease causing variants have been reported (PMID: 15082312, 21844345, 21931702). These observations suggest that this may be a clinically significant region. This variant has not been reported in the literature in individuals affected with TERC-related conditions. This variant is not present in population databases (gnomAD no frequency). This variant occurs in the TERC gene, which encodes an RNA molecule that does not result in a protein product.

Literature cited by the submitters: PubMed 15082312; PubMed 21844345; PubMed 21931702.

NC_000003.12:g.169764906A>C

Genes: TERC (telomerase RNA component; minus strand), LOC110806306 (telomerase RNA component (TERC) promoter; plus strand). Cytogenetic location: 3q26.2.
Variant type: single nucleotide variant.
Genome position: GRCh38 VCF-style: chr3-169764906-A-C. GRCh37 (hg19) VCF-style: chr3-169482694-A-C.
Identifiers: ClinVar variation 2120146 (VCV002120146.4), dbSNP rs1466076069, ClinGen allele CA436715607.